The following is an entry in ClinVar:

ClinVar aggregate classification (germline): Uncertain significance (1 of 4 stars; one submission).

Conditions:
Hereditary cancer-predisposing syndrome. Also called: Neoplastic Syndromes, Hereditary; Tumor predisposition; Hereditary neoplastic syndrome; Hereditary Cancer Syndrome. Identifiers: Orphanet 140162, MedGen C0027672, MeSH D009386, MONDO:0015356.

Submission:

Ambry Genetics
Classification: Uncertain significance for Hereditary cancer-predisposing syndrome. Last evaluated: 2026-07-07. Review status: criteria provided, single submitter. Criteria: Ambry Variant Classification Scheme 2023. Collection method: clinical testing. Allele origin: germline.
Comment: The p.V439A variant (also known as c.1316T>C), located in coding exon 13 of the RB1 gene, results from a T to C substitution at nucleotide position 1316. The valine at codon 439 is replaced by alanine, an amino acid with similar properties. This amino acid position is conserved. In addition, this alteration is predicted to be tolerated by in silico analysis. Based on the available evidence, the clinical significance of this variant remains unclear.

NM_000321.3(RB1):c.1316T>C (p.Val439Ala)

Gene: RB1 (RB transcriptional corepressor 1; plus strand). Cytogenetic location: 13q14.2.
Variant type: single nucleotide variant.
Coding change: c.1316T>C on transcript NM_000321.3 (MANE Select); coding-DNA position 1316, T replaced by C.
Protein change: p.Val439Ala; replaces valine 439 with alanine.
Molecular consequence: missense variant.
Genome position (GRCh38, 1-based): chr13:48,377,018, T>C. VCF-style: chr13-48377018-T-C. GRCh37 (hg19) VCF-style: chr13-48951154-T-C.
Other names: c.1316T>C, p.Val439Ala (NM_001407165.1, NM_001407166.1); short protein forms V439A.
Identifiers: ClinVar variation 5027950 (VCV005027950.1).